The following is an entry in ClinVar:

ClinVar aggregate classification (germline): Uncertain significance (1 of 4 stars; one submission).

Conditions:
Cardiovascular phenotype. Identifiers: MedGen CN230736.

Submission:

Ambry Genetics
Classification: Uncertain significance for Cardiovascular phenotype. Last evaluated: 2026-07-31. Review status: criteria provided, single submitter. Criteria: Ambry Variant Classification Scheme 2023. Collection method: clinical testing. Allele origin: germline.
Comment: The p.E3082Q variant (also known as c.9244G>C), located in coding exon 26 of the TNXB gene, results from a G to C substitution at nucleotide position 9244. The glutamic acid at codon 3082 is replaced by glutamine, an amino acid with highly similar properties. This amino acid position is conserved. In addition, this alteration is predicted to be tolerated by in silico analysis. Based on the available evidence, the clinical significance of this variant remains unclear.

NM_001365276.2(TNXB):c.9250G>C (p.Glu3084Gln)

Gene: TNXB (tenascin XB; minus strand). Cytogenetic location: 6p21.33.
Variant type: single nucleotide variant.
Coding change: c.9250G>C on transcript NM_001365276.2 (MANE Select); coding-DNA position 9250, G replaced by C.
Protein change: p.Glu3084Gln; replaces glutamic acid 3084 with glutamine.
Molecular consequence: missense variant.
Genome position (GRCh38, 1-based): chr6:32,050,187, C>G on the plus strand (G>C on the coding strand, the complement: TNXB is on the minus strand). VCF-style: chr6-32050187-C-G. GRCh37 (hg19) VCF-style: chr6-32017964-C-G.
Other names: c.9991G>C, p.Glu3331Gln (NM_001428335.1); c.9244G>C, p.Glu3082Gln (NM_019105.8); short protein forms E3082Q, E3084Q, E3331Q.
Identifiers: ClinVar variation 5031034 (VCV005031034.1).
Genomic context (GRCh38, chr6:32,050,187, plus strand): 5'-CCGCCTTGGGCTGCCCATCCCCATTCCTGTACTGGACCAGGAAGTGGTCAAACTGGCCCT[C>G]GGGAACCATCCAGGACAGGCTGAGGGAGTCGGGGGTGGCATCTGTCACGGTCAGCTCCCC-3'
Protein context (NP_001352205.1, residues 3074-3094): DSLSLSWMVP[Glu3084Gln]GQFDHFLVQY